The following is an entry in ClinVar:

NM_000222.3(KIT):c.898A>G (p.Asn300Asp)

Gene: KIT (KIT proto-oncogene, receptor tyrosine kinase; plus strand). Cytogenetic location: 4q12.
Variant type: single nucleotide variant.
Coding change: c.898A>G on transcript NM_000222.3 (MANE Select); coding-DNA position 898, A replaced by G.
Protein change: p.Asn300Asp; replaces asparagine 300 with aspartic acid.
Molecular consequence: missense variant.
Genome position (GRCh38, 1-based): chr4:54,703,865, A>G. VCF-style: chr4-54703865-A-G. GRCh37 (hg19) VCF-style: chr4-55570031-A-G.
Other names: c.898A>G, p.Asn300Asp (NM_001093772.2, NM_001385285.1, NM_001385286.1); c.901A>G, p.Asn301Asp (NM_001385284.1, NM_001385288.1, NM_001385290.1 and 1 more transcripts); short protein forms N300D, N301D.
Identifiers: ClinVar variation 2827859 (VCV002827859.3), dbSNP rs2475469696, ClinGen allele CA356900106.
Genomic context (GRCh38, chr4:54,703,865, plus strand): 5'-GCGAGAGTTAATGATTCTGGAGTGTTCATGTGTTATGCCAATAATACTTTTGGATCAGCA[A>G]ATGTCACAACAACCTTGGAAGTAGTAGGTAAATACCTCTATGGGAATGTTTAAATTACTG-3'
Protein context (NP_000213.1, residues 290-310): CYANNTFGSA[Asn300Asp]VTTTLEVVDK

ClinVar aggregate classification (germline): Uncertain significance (1 of 4 stars; one submission).

Conditions:
Gastrointestinal stromal tumor. Also called: Gastrointestinal stromal tumor, somatic; Gastrointestinal stroma tumor. Identifiers: Orphanet 44890, MedGen C0238198, MeSH D046152, MONDO:0011719, OMIM 606764, HP:0100723.

Submission:

Labcorp Genetics (formerly Invitae), Labcorp
Classification: Uncertain significance for Gastrointestinal stromal tumor. Last evaluated: 2023-01-19. Review status: criteria provided, single submitter. Criteria: Invitae Variant Classification Sherloc (09022015). Collection method: clinical testing. Allele origin: germline.
Comment: In summary, the available evidence is currently insufficient to determine the role of this variant in disease. Therefore, it has been classified as a Variant of Uncertain Significance. Algorithms developed to predict the effect of missense changes on protein structure and function are either unavailable or do not agree on the potential impact of this missense change (SIFT: "Tolerated"; PolyPhen-2: "Possibly Damaging"; Align-GVGD: "Class C0"). This variant has not been reported in the literature in individuals affected with KIT-related conditions. This variant is not present in population databases (gnomAD no frequency). This sequence change replaces asparagine, which is neutral and polar, with aspartic acid, which is acidic and polar, at codon 300 of the KIT protein (p.Asn300Asp).